The following is an entry in ClinVar:

NM_006031.6(PCNT):c.9700+2T>C

Gene: PCNT (pericentrin; plus strand). Cytogenetic location: 21q22.3.
Variant type: single nucleotide variant.
Coding change: c.9700+2T>C on transcript NM_006031.6 (MANE Select); the canonical splice donor site of the intron after coding-DNA position 9700, T replaced by C.
Molecular consequence: splice donor variant.
Genome position (GRCh38, 1-based): chr21:46,442,575, T>C. VCF-style: chr21-46442575-T-C. GRCh37 (hg19) VCF-style: chr21-47862488-T-C.
Other names: c.9109+2T>C (NM_001315529.2).
Identifiers: ClinVar variation 2758579 (VCV002758579.3), dbSNP rs2519140512, ClinGen allele CA410579151.

ClinVar aggregate classification (germline): Likely pathogenic (1 of 4 stars; one submission).

Allele frequency attached by ClinVar (database versions not stated): gnomAD exomes 0.00001.
gnomAD v4.1: 12 of 1,591,406 alleles (0.00075%); highest among the groups gnomAD compares: Non-Finnish European, 0.001%; no homozygotes.

Submission:

Labcorp Genetics (formerly Invitae), Labcorp
Classification: Likely pathogenic. Last evaluated: 2023-11-07. Review status: criteria provided, single submitter. Criteria: Invitae Variant Classification Sherloc (09022015). Collection method: clinical testing. Allele origin: germline.
Comment: This sequence change affects a donor splice site in intron 44 of the PCNT gene. It is expected to disrupt RNA splicing. Variants that disrupt the donor or acceptor splice site typically lead to a loss of protein function (PMID: 16199547), and loss-of-function variants in PCNT are known to be pathogenic (PMID: 18174396, 22821869). This variant is not present in population databases (gnomAD no frequency). This variant has not been reported in the literature in individuals affected with PCNT-related conditions. Algorithms developed to predict the effect of sequence changes on RNA splicing suggest that this variant may disrupt the consensus splice site. In summary, the currently available evidence indicates that the variant is pathogenic, but additional data are needed to prove that conclusively. Therefore, this variant has been classified as Likely Pathogenic.

Literature cited by the submitters: PubMed 16199547; PubMed 18174396; PubMed 22821869.